The following is an entry in ClinVar:

ClinVar aggregate classification (germline): Uncertain significance (1 of 4 stars; one submission).

Submission:

Women's Health and Genetics/Laboratory Corporation of America, LabCorp
Classification: Uncertain significance. Last evaluated: 2025-05-07. Review status: criteria provided, single submitter. Criteria: LabCorp Variant Classification Summary - May 2015. Collection method: clinical testing. Allele origin: germline.
Comment: Variant summary: GBA1 c.146G>A (p.Gly49Asp) results in a non-conservative amino acid change in the encoded protein sequence. Algorithms developed to predict the effect of missense changes on protein structure and function all suggest that this variant is likely to be disruptive. The variant was absent in 1613606 control chromosomes. The available data on variant occurrences in the general population are insufficient to allow any conclusion about variant significance. To our knowledge, no occurrence of c.146G>A in individuals affected with Gaucher Disease and no experimental evidence demonstrating its impact on protein function have been reported. No submitters have cited clinical-significance assessments for this variant to ClinVar. Based on the evidence outlined above, the variant was classified as uncertain significance.

NM_000157.4(GBA1):c.146G>A (p.Gly49Asp)

Genes: GBA1 (glucosylceramidase beta 1; minus strand), LOC106627981 (GBA recombination region; plus strand). Cytogenetic location: 1q22.
Variant type: single nucleotide variant.
Coding change: c.146G>A on transcript NM_000157.4 (MANE Select); coding-DNA position 146, G replaced by A.
Protein change: p.Gly49Asp; replaces glycine 49 with aspartic acid.
Molecular consequence: missense variant. On other transcripts: 5 prime UTR variant (1).
Genome position (GRCh38, 1-based): chr1:155,240,047, C>T on the plus strand (G>A on the coding strand, the complement: GBA1 is on the minus strand). VCF-style: chr1-155240047-C-T. GRCh37 (hg19) VCF-style: chr1-155209838-C-T.
Other names: c.146G>A, p.Gly49Asp (NM_001005741.3, NM_001005742.3, NM_001171812.2); c.-116G>A (NM_001171811.2); short protein forms G49D.
Identifiers: ClinVar variation 3902436 (VCV003902436.1).
Genomic context (GRCh38, chr1:155,240,047, plus strand): 5'-GTCGGGGGGTCAAAGGAGTCACAGTATGTGGCATTGCAGACACACACCACCGAGCTGTAG[C>T]CGAAGCTTTTAGGGATGCAGGGGCGGGCACCTGGGAGGGAGGGAGTACAAGCAGAGTGAG-3'
Protein context (NP_000148.2, residues 39-59): GARPCIPKSF[Gly49Asp]YSSVVCVCNA